The following is an entry in ClinVar:

ClinVar aggregate classification (germline): Likely benign (1 of 4 stars; one submission).

Submission:

CeGaT Center for Human Genetics Tuebingen
Classification: Likely benign. Last evaluated: 2025-10-01. Review status: criteria provided, single submitter. Criteria: CeGaT Center For Human Genetics Tuebingen Variant Classification Criteria Version 2. Collection method: clinical testing. Allele origin: germline. Affected: yes. Observed: 1 variant allele.
Comment: RP1L1: PM2:Supporting, BP4, BP7

NM_178857.6(RP1L1):c.6621A>T (p.Pro2207=)

Gene: RP1L1 (RP1 like 1). Cytogenetic location: 8p23.1.
Variant type: single nucleotide variant.
Coding change: c.6621A>T on transcript NM_178857.6 (MANE Select); coding-DNA position 6621, A replaced by T.
Protein change: p.Pro2207=; no amino-acid change (proline 2207 retained).
Molecular consequence: synonymous variant.
Genome position (GRCh38, 1-based): chr8:10,607,477, T>A on the plus strand (A>T on the coding strand, the complement: RP1L1 is on the minus strand). VCF-style: chr8-10607477-T-A. GRCh37 (hg19) VCF-style: chr8-10464987-T-A.
Identifiers: ClinVar variation 4535198 (VCV004535198.6).